The following is an entry in ClinVar:

NM_017934.7(PHIP):c.1904A>G (p.Gln635Arg)

Gene: PHIP (PHIP subunit of CUL4-Ring ligase complex; minus strand). Cytogenetic location: 6q14.1.
Variant type: single nucleotide variant.
Coding change: c.1904A>G on transcript NM_017934.7 (MANE Select); coding-DNA position 1904, A replaced by G.
Protein change: p.Gln635Arg; replaces glutamine 635 with arginine.
Molecular consequence: missense variant.
Genome position (GRCh38, 1-based): chr6:78,998,367, T>C on the plus strand (A>G on the coding strand, the complement: PHIP is on the minus strand). VCF-style: chr6-78998367-T-C. GRCh37 (hg19) VCF-style: chr6-79708084-T-C.
Other names: short protein forms Q635R.
Identifiers: ClinVar variation 2778959 (VCV002778959.3), dbSNP rs776646760, ClinGen allele CA3900076.

ClinVar aggregate classification (germline): Uncertain significance (1 of 4 stars; one submission).

Allele frequency attached by ClinVar (database versions not stated): gnomAD exomes below 0.00001; TOPMed below 0.00001; ExAC 0.00001; gnomAD 0.00001.
gnomAD v4.1: 2 of 1,613,716 alleles (0.00012%); highest among the groups gnomAD compares: Admixed American, 0.0033%; no homozygotes.

Submission:

Labcorp Genetics (formerly Invitae), Labcorp
Classification: Uncertain significance. Last evaluated: 2023-05-05. Review status: criteria provided, single submitter. Criteria: Invitae Variant Classification Sherloc (09022015). Collection method: clinical testing. Allele origin: germline.
Comment: This sequence change replaces glutamine, which is neutral and polar, with arginine, which is basic and polar, at codon 635 of the PHIP protein (p.Gln635Arg). This variant is present in population databases (rs776646760, gnomAD 0.003%). This variant has not been reported in the literature in individuals affected with PHIP-related conditions. Advanced modeling of protein sequence and biophysical properties (such as structural, functional, and spatial information, amino acid conservation, physicochemical variation, residue mobility, and thermodynamic stability) performed at Invitae indicates that this missense variant is not expected to disrupt PHIP protein function. In summary, the available evidence is currently insufficient to determine the role of this variant in disease. Therefore, it has been classified as a Variant of Uncertain Significance.